The following is an entry in ClinVar:

NM_001211.6(BUB1B):c.1617GAA[1] (p.Lys540del)

Gene: BUB1B (BUB1 mitotic checkpoint serine/threonine kinase B; plus strand). Cytogenetic location: 15q15.1.
Variant type: Microsatellite.
Coding change: c.1617GAA[1] on transcript NM_001211.6 (MANE Select); one copy of the 3-base unit GAA starting at c.1617; the reference has two copies in a row; one copy, 3 bases deleted.
Protein change: p.Lys540del; deletes lysine 540.
Molecular consequence: inframe deletion.
Genome position (GRCh38, 1-based): chr15:40,202,457-40,202,459, GAA deleted; deleting any 3 consecutive bases within chr15:40,202,452-40,202,459 gives the same sequence; the position shown is the placement nearest the transcript's 3' end. VCF-style (leftmost placement, unchanged base first): chr15-40202451-AAAG-A. GRCh37 (hg19) VCF-style: chr15-40494652-AAAG-A.
Other names: c.1620_1622delGAA (NM_001211.5); short protein forms K540del.
Identifiers: ClinVar variation 403754 (VCV000403754.12), dbSNP rs587778141, ClinGen allele CA157753.
Genomic context (GRCh38, chr15:40,202,451, plus strand): 5'-CTCTCTTTCTCTAGGTCCCAGTGTACCTTTCTCCATTTTTGATGAGTTTCTTCTTTCAGA[AAAG>A]AAGAATAAAAGGTACGTTGTTTTTTTGTTTTTTTGGTTTTTTTTTACTTAAGAATTTTCT-3'

ClinVar aggregate classification (germline): Uncertain significance. Review status: criteria provided, single submitter (1 of 4 stars). 2 submissions from 2 submitters: Uncertain significance (1). 1 of the submissions does not count toward it. Last evaluated 2025-01-29.

Conditions:
Mosaic variegated aneuploidy syndrome 1 (MVA1). Also called: Warburton-Anyane-Yeboa syndrome. Identifiers: Orphanet 1052, MedGen C1850343, MONDO:0009759, OMIM 257300.

Submissions (2):

Labcorp Genetics (formerly Invitae), Labcorp
Classification: Uncertain significance for Mosaic variegated aneuploidy syndrome 1. Last evaluated: 2025-01-29. Review status: criteria provided, single submitter. Criteria: Invitae Variant Classification Sherloc (09022015). Collection method: clinical testing. Allele origin: germline.
Comment: This variant, c.1620_1622del, results in the deletion of 1 amino acid(s) of the BUB1B protein (p.Lys540del), but otherwise preserves the integrity of the reading frame. This variant is present in population databases (rs587778141, gnomAD 0.0009%). This variant has not been reported in the literature in individuals affected with BUB1B-related conditions. This variant is also known as c.1615_1617delAAG. ClinVar contains an entry for this variant (Variation ID: 403754). In summary, the available evidence is currently insufficient to determine the role of this variant in disease. Therefore, it has been classified as a Variant of Uncertain Significance.

ITMI
No classification provided. Condition: AllHighlyPenetrant. Last evaluated: 2013-09-19. Review status: no classification provided. Collection method: reference population. Allele origin: germline. Not counted in ClinVar's aggregate classification.
Comment: Please see associated publication for description of ethnicities

Literature cited by the submitters: PubMed 24728327 (cited by ITMI).